The following is an entry in ClinVar:

NM_017739.4(POMGNT1):c.1719del (p.His573fs)

Genes: POMGNT1 (protein O-linked mannose N-acetylglucosaminyltransferase 1 (beta 1,2-); minus strand), TSPAN1 (tetraspanin 1; plus strand). Cytogenetic location: 1p34.1.
Variant type: Deletion.
Coding change: c.1719del on transcript NM_017739.4 (MANE Select); coding-DNA position 1719, one base deleted (C; older notation c.1719delC).
Protein change: p.His573fs; shifts the reading frame from histidine 573.
Molecular consequence: frameshift variant.
Genome position (GRCh38, 1-based): chr1:46,189,920, G deleted on the plus strand (C on the coding strand, the reverse complement: POMGNT1 is on the minus strand). VCF-style (leftmost placement, unchanged base first): chr1-46189919-TG-T. GRCh37 (hg19) VCF-style: chr1-46655591-TG-T.
Other names: c.1719delC (NM_017739.3); c.1719del, p.His573fs (NM_001243766.2, NM_001410783.1); c.1653delC, p.His551Glnfs (NM_001290129.3); c.1290del, p.His430fs (NM_001290130.2); short protein forms H551fs, H573fs, H430fs.
Identifiers: ClinVar variation 3989 (VCV000003989.4), dbSNP rs386834017, ClinGen allele CA116543.

ClinVar aggregate classification (germline): Pathogenic/Likely pathogenic. Review status: no assertion criteria provided (0 of 4 stars). 2 submissions from 2 submitters: Pathogenic (1); Likely pathogenic (1). Last evaluated 2001-11-01.

Conditions:
Muscular dystrophy-dystroglycanopathy (congenital with brain and eye anomalies), type A3. Also called: Congenital muscular dystrophy-dystroglycanopathy with brain and eye anomalies, type A3; WALKER-WARBURG SYNDROME OR MUSCLE-EYE-BRAIN DISEASE, POMGNT1-RELATED; Muscular dystrophy-dystroglycanopathy (congenital with brain and eye anomalies), type A, 3. Identifiers: MedGen C3151519, MONDO:0009667, OMIM 253280.
Muscle eye brain disease (MEB). Also called: Santavuori congenital muscular dystrophy. Identifiers: Orphanet 588, Orphanet 899, MedGen C0457133, MONDO:0018939.

Submissions (2):

OMIM
Classification: Pathogenic for MUSCULAR DYSTROPHY-DYSTROGLYCANOPATHY (CONGENITAL WITH BRAIN AND EYE ANOMALIES), TYPE A, 3. Last evaluated: 2001-11-01. Review status: no assertion criteria provided. Collection method: literature only. Allele origin: germline.

Juha Muilu Group; Institute for Molecular Medicine Finland (FIMM)
Classification: Likely pathogenic for Muscle eye brain disease. Review status: no assertion criteria provided. Collection method: not provided. Allele origin: unknown.
Comment: FinDis database variant: This variant was not found or characterized by our laboratory, data were collected from public sources: see reference
ClinVar note: Converted during submission from probable-pathogenic to Likely pathogenic.

Literature cited by the submitters: PubMed 11709191 (cited by OMIM).